The following is an entry in ClinVar:

ClinVar aggregate classification (germline): Pathogenic. Review status: criteria provided, multiple submitters, no conflicts (2 of 4 stars). 3 submissions from 3 submitters: Pathogenic (2). 1 of the submissions does not count toward it. Last evaluated 2025-11-03.

Conditions:
Phenylketonuria (PKU). Also called: Phenylketonuria (PKU); FOLLING DISEASE; OLIGOPHRENIA PHENYLPYRUVICA; Phenylketonurias. Identifiers: Orphanet 716, MedGen C0031485, MONDO:0009861, OMIM 261600. Disease mechanism: loss of function.

Allele frequency attached by ClinVar (database versions not stated): ExAC 0.00001; gnomAD exomes below 0.00001 and 0.00001.

Submissions (3):

Labcorp Genetics (formerly Invitae), Labcorp
Classification: Pathogenic for Phenylketonuria. Last evaluated: 2025-11-03. Review status: criteria provided, single submitter. Criteria: Invitae Variant Classification Sherloc (09022015). Collection method: clinical testing. Allele origin: germline.
Comment: This sequence change creates a premature translational stop signal (p.Ala246Valfs*95) in the PAH gene. It is expected to result in an absent or disrupted protein product. Loss-of-function variants in PAH are known to be pathogenic (PMID: 1301187, 9634518). This variant is present in population databases (rs199475666, gnomAD 0.002%). This premature translational stop signal has been observed in individual(s) with hyperphenylalaninemia (PMID: 10679941). ClinVar contains an entry for this variant (Variation ID: 102814). For these reasons, this variant has been classified as Pathogenic.

Baylor Genetics
Classification: Pathogenic for Phenylketonuria. Last evaluated: 2023-02-13. Review status: criteria provided, single submitter. Criteria: ACMG Guidelines, 2015. Collection method: clinical testing. Allele origin: unknown.

DeBelle Laboratory for Biochemical Genetics, MUHC/MCH RESEARCH INSTITUTE
No classification provided. Review status: no classification provided. Collection method: not provided. Allele origin: not provided. Not counted in ClinVar's aggregate classification.

Literature cited by the submitters: PubMed 1301187 (cited by Labcorp Genetics (formerly Invitae), Labcorp); PubMed 9634518 (cited by Labcorp Genetics (formerly Invitae), Labcorp); PubMed 10679941 (cited by Labcorp Genetics (formerly Invitae), Labcorp).

NM_000277.3(PAH):c.737del (p.Ala246fs)

Gene: PAH (phenylalanine hydroxylase; minus strand). Cytogenetic location: 12q23.2.
Variant type: Deletion.
Coding change: c.737del on transcript NM_000277.3 (MANE Select); coding-DNA position 737, one base deleted (C; older notation c.737delC).
Protein change: p.Ala246fs; shifts the reading frame from alanine 246.
Molecular consequence: frameshift variant.
Genome position (GRCh38, 1-based): chr12:102,852,920, G deleted on the plus strand (C on the coding strand, the reverse complement: PAH is on the minus strand). VCF-style (leftmost placement, unchanged base first): chr12-102852919-AG-A. GRCh37 (hg19) VCF-style: chr12-103246697-AG-A.
Other names: c.737del, p.Ala246fs (NM_001354304.2); short protein forms A246fs.
Identifiers: ClinVar variation 102814 (VCV000102814.9), dbSNP rs199475666, ClinGen allele CA229729.
Genomic context (GRCh38, chr12:102,852,919, plus strand): 5'-TGTGCAGTGGAAGACTCGGAAGGCCAGGCCACCCAAGAAATCCCGAGAGGAAAGCAGGCC[AG>A]CCACAGGTCGGAGGCGGAAACCAGTGCAAGCTGGGATGAAAAGAAGAAAGAAAACTCAAA-3'